The following is an entry in ClinVar:

ClinVar aggregate classification (germline): Uncertain significance (1 of 4 stars; one submission).

Conditions:
Werner syndrome (WRN). Identifiers: Orphanet 902, MedGen C0043119, MONDO:0010196, OMIM 277700.

Submission:

Labcorp Genetics (formerly Invitae), Labcorp
Classification: Uncertain significance for Werner syndrome. Last evaluated: 2023-03-16. Review status: criteria provided, single submitter. Criteria: Invitae Variant Classification Sherloc (09022015). Collection method: clinical testing. Allele origin: germline.
Comment: An algorithm developed to predict the effect of missense changes on protein structure and function (PolyPhen-2) suggests that this variant is likely to be disruptive. This sequence change replaces aspartic acid, which is acidic and polar, with glutamic acid, which is acidic and polar, at codon 82 of the WRN protein (p.Asp82Glu). Algorithms developed to predict the effect of sequence changes on RNA splicing suggest that this variant may disrupt the consensus splice site. ClinVar contains an entry for this variant (Variation ID: 1720004). In summary, the available evidence is currently insufficient to determine the role of this variant in disease. Therefore, it has been classified as a Variant of Uncertain Significance. This variant is not present in population databases (gnomAD no frequency). This variant has not been reported in the literature in individuals affected with WRN-related conditions.

NM_000553.6(WRN):c.246C>G (p.Asp82Glu)

Gene: WRN (WRN RecQ like helicase; plus strand). Cytogenetic location: 8p12.
Variant type: single nucleotide variant.
Coding change: c.246C>G on transcript NM_000553.6 (MANE Select); coding-DNA position 246, C replaced by G.
Protein change: p.Asp82Glu; replaces aspartic acid 82 with glutamic acid.
Molecular consequence: missense variant.
Genome position (GRCh38, 1-based): chr8:31,064,325, C>G. VCF-style: chr8-31064325-C-G. GRCh37 (hg19) VCF-style: chr8-30921841-C-G.
Other names: short protein forms D82E.
Identifiers: ClinVar variation 1720004 (VCV001720004.5), dbSNP rs2535880770, ClinGen allele CA370913984.